The following is an entry in ClinVar:

NM_001267550.2(TTN):c.89072C>A (p.Thr29691Asn)

Genes: TTN-AS1 (TTN antisense RNA 1; plus strand), TTN (titin; minus strand). Cytogenetic location: 2q31.2.
Variant type: single nucleotide variant.
Coding change: c.89072C>A on transcript NM_001267550.2 (MANE Select); coding-DNA position 89072, C replaced by A.
Protein change: p.Thr29691Asn; replaces threonine 29691 with asparagine.
Molecular consequence: missense variant.
Genome position (GRCh38, 1-based): chr2:178,554,039, G>T on the plus strand (C>A on the coding strand, the complement: TTN is on the minus strand). VCF-style: chr2-178554039-G-T. GRCh37 (hg19) VCF-style: chr2-179418766-G-T.
Other names: p.T28050N:ACC>AAC; c.84149C>A, p.Thr28050Asn (NM_001256850.1); c.61877C>A, p.Thr20626Asn (NM_003319.4); c.81368C>A, p.Thr27123Asn (NM_133378.4); c.62252C>A, p.Thr20751Asn (NM_133432.3); c.62453C>A, p.Thr20818Asn (NM_133437.4); short protein forms T28050N, T29691N, T20626N, T20751N, T20818N, T27123N.
Identifiers: ClinVar variation 202956 (VCV000202956.6), dbSNP rs794729525, ClinGen allele CA310802.

ClinVar aggregate classification (germline): Uncertain significance. Review status: criteria provided, multiple submitters, no conflicts (2 of 4 stars). 3 submissions from 3 submitters: Uncertain significance (3). Last evaluated 2020-08-13.

Conditions:
Cardiovascular phenotype. Identifiers: MedGen CN230736.
Dilated cardiomyopathy 1G (CMD1G). Identifiers: Orphanet 154, MedGen C1858763, MONDO:0011400, OMIM 604145.
Autosomal recessive limb-girdle muscular dystrophy type 2J (LGMDR10). Also called: MUSCULAR DYSTROPHY, LIMB-GIRDLE, AUTOSOMAL RECESSIVE 10; Limb-girdle muscular dystrophy, type 2J. Identifiers: Orphanet 140922, MedGen C1837342, MONDO:0012127, OMIM 608807.

Allele frequency attached by ClinVar (database versions not stated): gnomAD 0.00001; gnomAD exomes 0.00001; TOPMed 0.00001.
gnomAD v4.1: 18 of 1,613,620 alleles (0.0011%); highest among the groups gnomAD compares: Non-Finnish European, 0.0015%; no homozygotes.

Submissions (3):

Ambry Genetics
Classification: Uncertain significance for Cardiovascular phenotype. Last evaluated: 2020-08-13. Review status: criteria provided, single submitter. Criteria: Ambry Variant Classification Scheme 2023. Collection method: clinical testing. Allele origin: germline.
Comment: The p.T20626N variant (also known as c.61877C>A), located in coding exon 160 of the TTN gene, results from a C to A substitution at nucleotide position 61877. The threonine at codon 20626 is replaced by asparagine, an amino acid with similar properties. This amino acid position is highly conserved in available vertebrate species. In addition, this alteration is predicted to be tolerated by in silico analysis. Since supporting evidence is limited at this time, the clinical significance of this alteration remains unclear.

Labcorp Genetics (formerly Invitae), Labcorp
Classification: Uncertain significance for Dilated cardiomyopathy 1G; Autosomal recessive limb-girdle muscular dystrophy type 2J. Last evaluated: 2017-05-26. Review status: criteria provided, single submitter. Criteria: Invitae Variant Classification Sherloc (09022015). Collection method: clinical testing. Allele origin: germline.

GeneDx
Classification: Uncertain significance. Last evaluated: 2013-01-11. Review status: criteria provided, single submitter. Criteria: GeneDx Variant Classification (06012015). Collection method: clinical testing. Allele origin: germline. Affected: yes.
Comment: Missense variants in the TTN gene are considered 'unclassified' if they are not previously reported in the literature and do not have >1% frequency in the population to be considered a polymorphism. Research indicates that truncating mutations in the TTN gene are expected to account for approximately 25% of familial and 18% of sporadic idiopathic DCM; however, truncating variants in the TTN gene have been reported in approximately 3% of reported control alleles. There has been little investigation into non-truncating variants. (Herman D et al. Truncations of titin causing dilated cardiomyopathy. N Eng J Med 366:619-628, 2012) The variant is found in DCM panel(s).